The following is an entry in ClinVar:

ClinVar aggregate classification (germline): Pathogenic (1 of 4 stars; one submission).

Submission:

Quest Diagnostics Nichols Institute San Juan Capistrano
Classification: Pathogenic. Last evaluated: 2021-09-17. Review status: criteria provided, single submitter. Criteria: ACMG/ClinGen CNV Guidelines, 2019. Collection method: clinical testing. Allele origin: unknown.
Comment: The copy number loss of 12p13.33 involves multiple protein coding genes including ERC1 (OMIM 607127) and the first exon of CACNA1C (OMIM 114205). It is expected to cause phenotypic and/or developmental abnormalities. Patients harboring overlapping 12p13.33 deletions shares a minimum common phenotype including mild intellectual disability, expressive language disorder, hypotonia, joint laxity, anxiety, attention deficit disorder (Abdelmoity 2011;Thevenon 2013; Fanizza 2014). Two separate smallest regions ofoverlaps (SRO) have been suggested, both of which fall within the current deleted interval. The first SRO (260 kb) in all the patients contained only ERC1 (Thevenon 2013), which has been implicated in childhood apraxia of speech and neurodevelopmental phenotype as well as autism (Silva 2014; Chen 2017). The second SRO includes an about 45 Kb region covering exon 1 of CACNA1C (Mio 2020). Heterozygous pathogenic sequence variants (missense and truncating) and focal deletions of CACNA1C have been reported in individuals with variable phenotype including developmental delay, intellectual disability, autism, hypotonia, ataxia, and epilepsy (Rodan 2021; Quintela 2017). A number of CACNA1C pathogenic variants arose de novo. Additionally, heterozygous gain-of-function sequence variants (mostly missense) of CACNA1C have been reported in association with Timothy syndrome (TS; OMIM 601005) and cardiac conduction abnormalities (Brugada syndrome 3/OMIM 611875 and Long QT syndrome 8/OMIM 618447). TS is characterized by multiorgan dysfunction, including lethal arrhythmias, webbing of fingers and toes, congenital heart disease, immune deficiency, intermittent hypoglycemia, cognitive abnormalities, and autism. This copy number loss also involves two genes associated with OMIM phenotypes: WNK1 (OMIM 201300 and 614492) and CACNA2D4 (OMIM 610478). References Abdelmoity et al., Eur J Med Genet. Mar-Apr 2011;54(2):198-203. PMID:21144913. Chen et al., Sci Rep. 2017 Apr 25;7:46105. PMID: 28440294. Fanizza et al., Eur J Med Genet. 2014 Jul;57(7):334-8. PMID: 24780630. Mio et al., Eur J Med Genet. 2020 Apr;63(4):103843. PMID: 31953239. Quintela et al., Gene. 2017 Aug 30;626:189-199. PMID: 28506748. Rodan et al., Genet Med. 2021 Jun 23. PMID: 34163037. Silva et al., Gene. 2014 May 25;542(1):83-6. PMID: 24613754. Thevenon et al., Eur J Hum Genet. 2013 Jan;21(1):82-8. PMID: 22713806.

GRCh37/hg19 12p13.33(chr12:817514-2205439)x1

Genes: ADIPOR2 (adiponectin receptor 2; plus strand), CACNA1C (calcium voltage-gated channel subunit alpha1 C; plus strand), CACNA2D4 (calcium voltage-gated channel auxiliary subunit alpha2delta 4; minus strand), DCP1B (decapping mRNA 1B; minus strand), ERC1 (ELKS/RAB6-interacting/CAST family member 1; plus strand) and 5 more. Cytogenetic location: 12p13.33.
Variant type: copy number loss.
Change: copy number 1 (one copy instead of two) of chr12:817,514-2,205,439 (1.39 Mb, GRCh37 coordinates, 1-based), cytogenetic band 12p13.33.
Identifiers: ClinVar variation 1809216 (VCV001809216.1).